The following is an entry in ClinVar:

NM_130468.4(CHST14):c.536G>C (p.Arg179Pro)

Gene: CHST14 (carbohydrate sulfotransferase 14; plus strand). Cytogenetic location: 15q15.1.
Variant type: single nucleotide variant.
Coding change: c.536G>C on transcript NM_130468.4 (MANE Select); coding-DNA position 536, G replaced by C.
Protein change: p.Arg179Pro; replaces arginine 179 with proline.
Molecular consequence: missense variant.
Genome position (GRCh38, 1-based): chr15:40,471,749, G>C. VCF-style: chr15-40471749-G-C. GRCh37 (hg19) VCF-style: chr15-40763948-G-C.
Other names: short protein forms R179P.
Identifiers: ClinVar variation 1352288 (VCV001352288.8), dbSNP rs756707600, ClinGen allele CA391766172.

ClinVar aggregate classification (germline): Uncertain significance (1 of 4 stars; one submission).

Conditions:
Ehlers-Danlos syndrome, musculocontractural type (EDSMC). Also called: ARTHROGRYPOSIS, DISTAL, WITH PECULIAR FACIES AND HYDRONEPHROSIS; DUNDAR SYNDROME; Adducted thumb, clubfoot, progressive joint and skin laxity syndrome; ADDUCTED THUMB-CLUBFOOT SYNDROME. Identifiers: Orphanet 2953, MedGen C1866294, MONDO:0011142.

gnomAD v4.1: 2 of 1,613,578 alleles (0.00012%); highest among the groups gnomAD compares: Admixed American, 0.0033%; no homozygotes.

Submission:

Labcorp Genetics (formerly Invitae), Labcorp
Classification: Uncertain significance for Ehlers-Danlos syndrome, musculocontractural type. Last evaluated: 2024-11-05. Review status: criteria provided, single submitter. Criteria: Invitae Variant Classification Sherloc (09022015). Collection method: clinical testing. Allele origin: germline.
Comment: This sequence change replaces arginine, which is basic and polar, with proline, which is neutral and non-polar, at codon 179 of the CHST14 protein (p.Arg179Pro). This variant is not present in population databases (gnomAD no frequency). This variant has not been reported in the literature in individuals affected with CHST14-related conditions. ClinVar contains an entry for this variant (Variation ID: 1352288). Invitae Evidence Modeling of protein sequence and biophysical properties (such as structural, functional, and spatial information, amino acid conservation, physicochemical variation, residue mobility, and thermodynamic stability) indicates that this missense variant is not expected to disrupt CHST14 protein function with a negative predictive value of 80%. In summary, the available evidence is currently insufficient to determine the role of this variant in disease. Therefore, it has been classified as a Variant of Uncertain Significance.